The following is an entry in ClinVar:

ClinVar aggregate classification (germline): Conflicting classifications of pathogenicity. Review status: criteria provided, conflicting classifications (1 of 4 stars). 2 submissions from 2 submitters: Uncertain significance (1); Likely benign (1). Last evaluated 2024-09-30.

Conditions:
Hereditary cancer-predisposing syndrome. Also called: Neoplastic Syndromes, Hereditary; Tumor predisposition; Hereditary neoplastic syndrome; Hereditary Cancer Syndrome. Identifiers: Orphanet 140162, MedGen C0027672, MeSH D009386, MONDO:0015356.
Multiple endocrine neoplasia, type 2 (MEN2). Identifiers: Orphanet 653, MedGen C4048306, MONDO:0019003. Disease mechanism: gain of function.

Allele frequency attached by ClinVar (database versions not stated): TOPMed below 0.00001.

Submissions (2):

Ambry Genetics
Classification: Likely benign for Hereditary cancer-predisposing syndrome. Last evaluated: 2024-09-30. Review status: criteria provided, single submitter. Criteria: Ambry Variant Classification Scheme 2023. Collection method: clinical testing. Allele origin: germline.

Labcorp Genetics (formerly Invitae), Labcorp
Classification: Uncertain significance for Multiple endocrine neoplasia, type 2. Last evaluated: 2021-07-16. Review status: criteria provided, single submitter. Criteria: Invitae Variant Classification Sherloc (09022015). Collection method: clinical testing. Allele origin: germline.
Comment: In summary, the available evidence is currently insufficient to determine the role of this variant in disease. Therefore, it has been classified as a Variant of Uncertain Significance. Algorithms developed to predict the effect of missense changes on protein structure and function output the following: SIFT: "Tolerated"; PolyPhen-2: "Benign"; Align-GVGD: "Class C0". The alanine amino acid residue is found in multiple mammalian species, suggesting that this missense change does not adversely affect protein function. These predictions have not been confirmed by published functional studies and their clinical significance is uncertain. This variant has not been reported in the literature in individuals with RET-related disease. This variant is not present in population databases (ExAC no frequency). This sequence change replaces threonine with alanine at codon 130 of the RET protein (p.Thr130Ala). The threonine residue is weakly conserved and there is a small physicochemical difference between threonine and alanine.

NM_020975.6(RET):c.388A>G (p.Thr130Ala)

Gene: RET (ret proto-oncogene; plus strand). Cytogenetic location: 10q11.21.
Variant type: single nucleotide variant.
Coding change: c.388A>G on transcript NM_020975.6 (MANE Select); coding-DNA position 388, A replaced by G.
Protein change: p.Thr130Ala; replaces threonine 130 with alanine.
Molecular consequence: missense variant.
Genome position (GRCh38, 1-based): chr10:43,102,392, A>G. VCF-style: chr10-43102392-A-G. GRCh37 (hg19) VCF-style: chr10-43597840-A-G.
Other names: c.388A>G, p.Thr130Ala (NM_000323.2, NM_001406743.1, NM_001406744.1 and 16 more transcripts); short protein forms T130A.
Identifiers: ClinVar variation 644444 (VCV000644444.10), dbSNP rs1588863938, ClinGen allele CA376770718.
Genomic context (GRCh38, chr10:43,102,392, plus strand): 5'-CTCTCTGCAGACCGCGGCTTTCCCCTGCTCACCGTCTACCTCAAGGTCTTCCTGTCACCC[A>G]CATCCCTTCGTGAGGGCGAGTGCCAGTGGCCAGGCTGTGCCCGCGTATACTTCTCCTTCT-3'
Protein context (NP_066124.1, residues 120-140): TVYLKVFLSP[Thr130Ala]SLREGECQWP